The following is an entry in ClinVar:

ClinVar aggregate classification (germline): Uncertain significance (1 of 4 stars; one submission).

Conditions:
Jeune thoracic dystrophy. Also called: Infantile thoracic dystrophy; Thoracic pelvic phalangeal dystrophy; Jeune's syndrome; Chondroectodermal dysplasia-like syndrome; Short-rib thoracic dysplasia; Jeune syndrome. Identifiers: Orphanet 474, MedGen C0265275, MONDO:0018770.

gnomAD v4.1: 2 of 1,613,178 alleles (0.00012%); highest among the groups gnomAD compares: Admixed American, 0.0017%; no homozygotes.

Submission:

Labcorp Genetics (formerly Invitae), Labcorp
Classification: Uncertain significance for Jeune thoracic dystrophy. Last evaluated: 2022-02-11. Review status: criteria provided, single submitter. Criteria: Invitae Variant Classification Sherloc (09022015). Collection method: clinical testing. Allele origin: germline.
Comment: This sequence change replaces threonine, which is neutral and polar, with serine, which is neutral and polar, at codon 15 of the DYNC2H1 protein (p.Thr15Ser). The frequency data for this variant in the population databases is considered unreliable, as metrics indicate poor data quality at this position in the gnomAD database. This variant has not been reported in the literature in individuals affected with DYNC2H1-related conditions. Advanced modeling of protein sequence and biophysical properties (such as structural, functional, and spatial information, amino acid conservation, physicochemical variation, residue mobility, and thermodynamic stability) performed at Invitae indicates that this missense variant is not expected to disrupt DYNC2H1 protein function. In summary, the available evidence is currently insufficient to determine the role of this variant in disease. Therefore, it has been classified as a Variant of Uncertain Significance.

NM_001377.3(DYNC2H1):c.43A>T (p.Thr15Ser)

Gene: DYNC2H1 (dynein cytoplasmic 2 heavy chain 1; plus strand). Cytogenetic location: 11q22.3.
Variant type: single nucleotide variant.
Coding change: c.43A>T on transcript NM_001377.3 (MANE Select); coding-DNA position 43, A replaced by T.
Protein change: p.Thr15Ser; replaces threonine 15 with serine.
Molecular consequence: missense variant.
Genome position (GRCh38, 1-based): chr11:103,109,617, A>T. VCF-style: chr11-103109617-A-T. GRCh37 (hg19) VCF-style: chr11-102980346-A-T.
Other names: c.43A>T, p.Thr15Ser (NM_001080463.2); short protein forms T15S.
Identifiers: ClinVar variation 1937036 (VCV001937036.2), dbSNP rs1380158110, ClinGen allele CA382240724.